The following is an entry in ClinVar:

NM_000435.3(NOTCH3):c.6264C>T (p.Cys2088=)

Gene: NOTCH3 (notch receptor 3; minus strand). Cytogenetic location: 19p13.12.
Variant type: single nucleotide variant.
Coding change: c.6264C>T on transcript NM_000435.3 (MANE Select); coding-DNA position 6264, C replaced by T.
Protein change: p.Cys2088=; no amino-acid change (cysteine 2088 retained).
Molecular consequence: synonymous variant.
Genome position (GRCh38, 1-based): chr19:15,161,364, G>A on the plus strand (C>T on the coding strand, the complement: NOTCH3 is on the minus strand). VCF-style: chr19-15161364-G-A. GRCh37 (hg19) VCF-style: chr19-15272175-G-A.
Identifiers: ClinVar variation 2578820 (VCV002578820.25), dbSNP rs1179290249, ClinGen allele CA506076425.

ClinVar aggregate classification (germline): Likely benign (1 of 4 stars; one submission).

Allele frequency attached by ClinVar (database versions not stated): gnomAD exomes below 0.00001.
gnomAD v4.1: 5 of 1,525,784 alleles (0.00033%); highest among the groups gnomAD compares: South Asian, 0.0024%; no homozygotes.

Submission:

CeGaT Center for Human Genetics Tuebingen
Classification: Likely benign. Last evaluated: 2023-08-01. Review status: criteria provided, single submitter. Criteria: CeGaT Center For Human Genetics Tuebingen Variant Classification Criteria Version 2. Collection method: clinical testing. Allele origin: germline. Affected: yes. Observed: 1 variant allele.
Comment: NOTCH3: BP4, BP7